The following is an entry in ClinVar:

NM_001999.4(FBN2):c.5701A>G (p.Asn1901Asp)

Gene: FBN2 (fibrillin 2; minus strand). Cytogenetic location: 5q23.3.
Variant type: single nucleotide variant.
Coding change: c.5701A>G on transcript NM_001999.4 (MANE Select); coding-DNA position 5701, A replaced by G.
Protein change: p.Asn1901Asp; replaces asparagine 1901 with aspartic acid.
Molecular consequence: missense variant.
Genome position (GRCh38, 1-based): chr5:128,305,056, T>C on the plus strand (A>G on the coding strand, the complement: FBN2 is on the minus strand). VCF-style: chr5-128305056-T-C. GRCh37 (hg19) VCF-style: chr5-127640748-T-C.
Other names: short protein forms N1901D.
Identifiers: ClinVar variation 528414 (VCV000528414.7), dbSNP rs1010422106, ClinGen allele CA126983273.

ClinVar aggregate classification (germline): Uncertain significance (1 of 4 stars; one submission).

Conditions:
Congenital contractural arachnodactyly (CCA). Also called: Beals-Hecht syndrome; BEALS SYNDROME; Arthrogryposis, distal, type 9. Identifiers: Orphanet 115, MedGen C0220668, MONDO:0007363, OMIM 121050.

Allele frequency attached by ClinVar (database versions not stated): gnomAD exomes below 0.00001 and 0.00001; gnomAD 0.00001 and 0.00002; TOPMed 0.00002.
gnomAD v4.1: 21 of 1,612,784 alleles (0.0013%); highest among the groups gnomAD compares: African/African-American, 0.0027%; no homozygotes.

Submission:

Labcorp Genetics (formerly Invitae), Labcorp
Classification: Uncertain significance for Congenital contractural arachnodactyly. Last evaluated: 2025-11-17. Review status: criteria provided, single submitter. Criteria: Invitae Variant Classification Sherloc (09022015). Collection method: clinical testing. Allele origin: germline.
Comment: This sequence change replaces asparagine, which is neutral and polar, with aspartic acid, which is acidic and polar, at codon 1901 of the FBN2 protein (p.Asn1901Asp). This variant is present in population databases (no rsID available, gnomAD 0.002%). This variant has not been reported in the literature in individuals affected with FBN2-related conditions. ClinVar contains an entry for this variant (Variation ID: 528414). Invitae Evidence Modeling of protein sequence and biophysical properties (such as structural, functional, and spatial information, amino acid conservation, physicochemical variation, residue mobility, and thermodynamic stability) indicates that this missense variant is not expected to disrupt FBN2 protein function with a negative predictive value of 80%. In summary, the available evidence is currently insufficient to determine the role of this variant in disease. Therefore, it has been classified as a Variant of Uncertain Significance.